The following is an entry in ClinVar:

ClinVar aggregate classification (germline): Uncertain significance (1 of 4 stars; one submission).

Submission:

Ambry Genetics
Classification: Uncertain significance. Last evaluated: 2024-09-24. Review status: criteria provided, single submitter. Criteria: Ambry Variant Classification Scheme 2023. Collection method: clinical testing. Allele origin: germline.
Comment: The p.T1208I variant (also known as c.3623C>T), located in coding exon 16 of the POLQ gene, results from a C to T substitution at nucleotide position 3623. The threonine at codon 1208 is replaced by isoleucine, an amino acid with similar properties. This amino acid position is conserved. In addition, this alteration is predicted to be tolerated by in silico analysis. Based on the available evidence, the clinical significance of this variant remains unclear.

NM_199420.4(POLQ):c.3623C>T (p.Thr1208Ile)

Gene: POLQ (DNA polymerase theta; minus strand). Cytogenetic location: 3q13.33.
Variant type: single nucleotide variant.
Coding change: c.3623C>T on transcript NM_199420.4 (MANE Select); coding-DNA position 3623, C replaced by T.
Protein change: p.Thr1208Ile; replaces threonine 1208 with isoleucine.
Molecular consequence: missense variant.
Genome position (GRCh38, 1-based): chr3:121,489,308, G>A on the plus strand (C>T on the coding strand, the complement: POLQ is on the minus strand). VCF-style: chr3-121489308-G-A. GRCh37 (hg19) VCF-style: chr3-121208155-G-A.
Other names: short protein forms T1208I.
Identifiers: ClinVar variation 3422566 (VCV003422566.1).